The following is an entry in ClinVar:

ClinVar aggregate classification (germline): Likely benign. Review status: criteria provided, single submitter (1 of 4 stars). 2 submissions from 2 submitters: Likely benign (1). 1 of the submissions does not count toward it. Last evaluated 2026-01-12.

Conditions:
THAP1-related disorder. Also called: THAP1-related condition.
Torsion dystonia 6 (DYT6). Also called: DYT-THAP1. Identifiers: Orphanet 98806, MedGen C1414216, MONDO:0011264, OMIM 602629.

Allele frequency attached by ClinVar (database versions not stated): gnomAD 0.00002; gnomAD exomes 0.00004 and 0.00006; TOPMed 0.00006; ESP Exome Variant Server 0.00008; ExAC 0.00010.

Submissions (2):

Labcorp Genetics (formerly Invitae), Labcorp
Classification: Likely benign for Torsion dystonia 6. Last evaluated: 2026-01-12. Review status: criteria provided, single submitter. Criteria: Invitae Variant Classification Sherloc (09022015). Collection method: clinical testing. Allele origin: germline.

PreventionGenetics, part of Exact Sciences
Classification: Likely benign for THAP1-related condition. Last evaluated: 2020-04-29. Review status: no assertion criteria provided. Collection method: clinical testing. Allele origin: germline. Not counted in ClinVar's aggregate classification.
Comment: This variant is classified as likely benign based on ACMG/AMP sequence variant interpretation guidelines (Richards et al. 2015 PMID: 25741868, with internal and published modifications).

NM_018105.3(THAP1):c.39C>T (p.Arg13=)

Gene: THAP1 (THAP domain containing 1; minus strand). Cytogenetic location: 8p11.21.
Variant type: single nucleotide variant.
Coding change: c.39C>T on transcript NM_018105.3 (MANE Select); coding-DNA position 39, C replaced by T.
Protein change: p.Arg13=; no amino-acid change (arginine 13 retained).
Molecular consequence: synonymous variant.
Genome position (GRCh38, 1-based): chr8:42,843,056, G>A on the plus strand (C>T on the coding strand, the complement: THAP1 is on the minus strand). VCF-style: chr8-42843056-G-A. GRCh37 (hg19) VCF-style: chr8-42698199-G-A.
Other names: c.39C>T, p.Arg13= (NM_199003.2); c.39C>T (NM_018105.2).
Identifiers: ClinVar variation 1624460 (VCV001624460.10), dbSNP rs369406881, ClinGen allele CA4734634.